The following is an entry in ClinVar:

ClinVar aggregate classification (germline): Uncertain significance. Review status: criteria provided, multiple submitters, no conflicts (2 of 4 stars). 2 submissions from 2 submitters: Uncertain significance (2). Last evaluated 2026-01-10.

Conditions:
POLD1-related polyposis and colorectal cancer syndrome (CRCS10). Also called: Colorectal cancer 10; COLORECTAL CANCER, SUSCEPTIBILITY TO, ON CHROMOSOME 19q; Colorectal cancer, susceptibility to, 10. Identifiers: Orphanet 220460, MedGen C2675481, MONDO:0012953, OMIM 612591.
Immunodeficiency 120. Identifiers: MedGen C5935622, MONDO:0970994, OMIM 620836.

Allele frequency attached by ClinVar (database versions not stated): ESP Exome Variant Server 0.00008.

Submissions (2):

Labcorp Genetics (formerly Invitae), Labcorp
Classification: Uncertain significance for POLD1-related polyposis and colorectal cancer syndrome. Last evaluated: 2026-01-10. Review status: criteria provided, single submitter. Criteria: Invitae Variant Classification Sherloc (09022015). Collection method: clinical testing. Allele origin: germline.
Comment: This sequence change replaces arginine, which is basic and polar, with proline, which is neutral and non-polar, at codon 817 of the POLD1 protein (p.Arg817Pro). This variant is not present in population databases (gnomAD no frequency). This variant has not been reported in the literature in individuals affected with POLD1-related conditions. ClinVar contains an entry for this variant (Variation ID: 1057712). Invitae Evidence Modeling of protein sequence and biophysical properties (such as structural, functional, and spatial information, amino acid conservation, physicochemical variation, residue mobility, and thermodynamic stability) indicates that this missense variant is not expected to disrupt POLD1 protein function with a negative predictive value of 80%. In summary, the available evidence is currently insufficient to determine the role of this variant in disease. Therefore, it has been classified as a Variant of Uncertain Significance.

Dasa
Classification: Uncertain significance for Immunodeficiency 120. Last evaluated: 2025-09-08. Review status: criteria provided, single submitter. Criteria: DASA Assertion Criteria. Collection method: clinical testing. Allele origin: germline.
Comment: NM_002691.4(POLD1):c.2450G>C (p.Arg817Pro) is a missense variant that results in the substitution of arginine with proline. This variant is rare in population databases. Computational prediction algorithms are consistent with a benign effect. The currently available literature and clinical evidence are not sufficient to establish a definitive association between this variant and the reported condition. Therefore, this variant is classified as a variant of uncertain significance.

NM_002691.4(POLD1):c.2450G>C (p.Arg817Pro)

Gene: POLD1 (DNA polymerase delta 1, catalytic subunit; plus strand). Cytogenetic location: 19q13.33.
Variant type: single nucleotide variant.
Coding change: c.2450G>C on transcript NM_002691.4 (MANE Select); coding-DNA position 2450, G replaced by C.
Protein change: p.Arg817Pro; replaces arginine 817 with proline.
Molecular consequence: missense variant. On other transcripts: non-coding transcript variant (1).
Genome position (GRCh38, 1-based): chr19:50,414,876, G>C. VCF-style: chr19-50414876-G-C. GRCh37 (hg19) VCF-style: chr19-50918133-G-C.
Other names: c.2450G>C, p.Arg817Pro (NM_001256849.1); c.2528G>C, p.Arg843Pro (NM_001308632.1); short protein forms R817P, R843P.
Identifiers: ClinVar variation 1057712 (VCV001057712.11), dbSNP rs142017093, ClinGen allele CA309604780.
Genomic context (GRCh38, chr19:50,414,876, plus strand): 5'-TCTACTTCCCATACCTGCTTATCAGCAAGAAGCGCTACGCGGGCCTGCTCTTCTCCTCCC[G>C]GCCCGACGCCCACGACCGCATGGACTGCAAGGGCCTGGAGGCCGTGCGCAGGGACAACTG-3'
Protein context (NP_002682.2, residues 807-827): KRYAGLLFSS[Arg817Pro]PDAHDRMDCK